The following is an entry in ClinVar:

NM_017763.6(RNF43):c.1607T>C (p.Val536Ala)

Gene: RNF43 (ring finger protein 43; minus strand). Cytogenetic location: 17q22.
Variant type: single nucleotide variant.
Coding change: c.1607T>C on transcript NM_017763.6 (MANE Select); coding-DNA position 1607, T replaced by C.
Protein change: p.Val536Ala; replaces valine 536 with alanine.
Molecular consequence: missense variant.
Genome position (GRCh38, 1-based): chr17:58,358,169, A>G on the plus strand (T>C on the coding strand, the complement: RNF43 is on the minus strand). VCF-style: chr17-58358169-A-G. GRCh37 (hg19) VCF-style: chr17-56435530-A-G.
Other names: c.1607T>C, p.Val536Ala (NM_001305544.3); c.1226T>C, p.Val409Ala (NM_001305545.2); short protein forms V536A, V409A.
Identifiers: ClinVar variation 3946942 (VCV003946942.1).

ClinVar aggregate classification (germline): Uncertain significance (1 of 4 stars; one submission).

Submission:

Ambry Genetics
Classification: Uncertain significance. Last evaluated: 2025-06-12. Review status: criteria provided, single submitter. Criteria: Ambry Variant Classification Scheme 2023. Collection method: clinical testing. Allele origin: germline.
Comment: The p.V536A variant (also known as c.1607T>C), located in coding exon 8 of the RNF43 gene, results from a T to C substitution at nucleotide position 1607. The valine at codon 536 is replaced by alanine, an amino acid with similar properties. This amino acid position is conserved. In addition, this alteration is predicted to be tolerated by in silico analysis. Based on the available evidence, the clinical significance of this variant remains unclear.